The following is an entry in ClinVar:

ClinVar aggregate classification (germline): Conflicting classifications of pathogenicity. Review status: criteria provided, conflicting classifications (1 of 4 stars). 2 submissions from 2 submitters: Uncertain significance (1); Likely benign (1). Last evaluated 2024-12-14.

Allele frequency attached by ClinVar (database versions not stated): gnomAD 0.00026; gnomAD exomes 0.00037; ESP Exome Variant Server 0.00038; ExAC 0.00039; TOPMed 0.00044.
gnomAD v4.1: 455 of 1,203,410 alleles (0.038%); highest among the groups gnomAD compares: Middle Eastern, 0.046%; no homozygotes.

Submissions (2):

Ambry Genetics
Classification: Uncertain significance. Last evaluated: 2024-12-14. Review status: criteria provided, single submitter. Criteria: Ambry Variant Classification Scheme 2023. Collection method: clinical testing. Allele origin: germline.

CeGaT Center for Human Genetics Tuebingen
Classification: Likely benign. Last evaluated: 2022-10-01. Review status: criteria provided, single submitter. Criteria: CeGaT Center For Human Genetics Tuebingen Variant Classification Criteria Version 2. Collection method: clinical testing. Allele origin: germline. Affected: yes. Observed: 1 variant allele.
Comment: IL1RAPL2: BS2

NM_017416.2(IL1RAPL2):c.16C>T (p.Leu6Phe)

Gene: IL1RAPL2 (interleukin 1 receptor accessory protein like 2; plus strand). Cytogenetic location: Xq22.3.
Variant type: single nucleotide variant.
Coding change: c.16C>T on transcript NM_017416.2 (MANE Select); coding-DNA position 16, C replaced by T.
Protein change: p.Leu6Phe; replaces leucine 6 with phenylalanine.
Molecular consequence: missense variant.
Genome position (GRCh38, 1-based): chrX:104,658,929, C>T. VCF-style: chrX-104658929-C-T. GRCh37 (hg19) VCF-style: chrX-103903610-C-T.
Other names: short protein forms L6F.
Identifiers: ClinVar variation 2208312 (VCV002208312.27), dbSNP rs148390300, ClinGen allele CA10480233.